The following is an entry in ClinVar:

ClinVar aggregate classification (germline): Conflicting classifications of pathogenicity. Review status: criteria provided, conflicting classifications (1 of 4 stars). 3 submissions from 3 submitters: Uncertain significance (2); Likely benign (1). Last evaluated 2026-01-26.

Conditions:
Hereditary cancer-predisposing syndrome. Also called: Hereditary Cancer Syndrome; Hereditary neoplastic syndrome; Tumor predisposition; Neoplastic Syndromes, Hereditary. Identifiers: Orphanet 140162, MedGen C0027672, MeSH D009386, MONDO:0015356.
Familial meningioma. Also called: Meningioma, familial, susceptibility to. Identifiers: Orphanet 263662, MedGen C3551915, MONDO:0011789, OMIM 607174.

Allele frequency attached by ClinVar (database versions not stated): gnomAD exomes 0.00001 and below 0.00001; gnomAD 0.00002; TOPMed 0.00002.
gnomAD v4.1: 8 of 1,614,044 alleles (0.0005%); highest among the groups gnomAD compares: African/African-American, 0.008%; no homozygotes.

Submissions (3):

Labcorp Genetics (formerly Invitae), Labcorp
Classification: Uncertain significance for Familial meningioma. Last evaluated: 2026-01-26. Review status: criteria provided, single submitter. Criteria: Invitae Variant Classification Sherloc (09022015). Collection method: clinical testing. Allele origin: germline.
Comment: This sequence change replaces glutamic acid, which is acidic and polar, with lysine, which is basic and polar, at codon 321 of the SMARCE1 protein (p.Glu321Lys). This variant is present in population databases (no rsID available, gnomAD 0.008%). This variant has not been reported in the literature in individuals affected with SMARCE1-related conditions. ClinVar contains an entry for this variant (Variation ID: 972534). Invitae Evidence Modeling of protein sequence and biophysical properties (such as structural, functional, and spatial information, amino acid conservation, physicochemical variation, residue mobility, and thermodynamic stability) indicates that this missense variant is not expected to disrupt SMARCE1 protein function with a negative predictive value of 80%. In summary, the available evidence is currently insufficient to determine the role of this variant in disease. Therefore, it has been classified as a Variant of Uncertain Significance.

Baylor Genetics
Classification: Uncertain significance for Familial meningioma. Last evaluated: 2023-09-06. Review status: criteria provided, single submitter. Criteria: ACMG Guidelines, 2015. Collection method: clinical testing. Allele origin: unknown.

Ambry Genetics
Classification: Likely benign for Hereditary cancer-predisposing syndrome. Last evaluated: 2022-02-04. Review status: criteria provided, single submitter. Criteria: Ambry Variant Classification Scheme 2023. Collection method: clinical testing. Allele origin: germline.

NM_003079.5(SMARCE1):c.961G>A (p.Glu321Lys)

Gene: SMARCE1 (SWI/SNF related BAF chromatin remodeling complex subunit E1; minus strand). Cytogenetic location: 17q21.2.
Variant type: single nucleotide variant.
Coding change: c.961G>A on transcript NM_003079.5 (MANE Select); coding-DNA position 961, G replaced by A.
Protein change: p.Glu321Lys; replaces glutamic acid 321 with lysine.
Molecular consequence: missense variant.
Genome position (GRCh38, 1-based): chr17:40,630,780, C>T on the plus strand (G>A on the coding strand, the complement: SMARCE1 is on the minus strand). VCF-style: chr17-40630780-C-T. GRCh37 (hg19) VCF-style: chr17-38787032-C-T.
Other names: short protein forms E321K.
Identifiers: ClinVar variation 972534 (VCV000972534.10), dbSNP rs925142025, ClinGen allele CA290549022.